The following is an entry in ClinVar:

ClinVar aggregate classification (germline): Uncertain significance. Review status: criteria provided, multiple submitters, no conflicts (2 of 4 stars). 3 submissions from 3 submitters: Uncertain significance (2). 1 of the submissions does not count toward it. Last evaluated 2024-06-13.

Conditions:
Stüve-Wiedemann syndrome 1. Also called: STUVE-WIEDEMANN/SCHWARTZ-JAMPEL TYPE 2 SYNDROME. Identifiers: Orphanet 3206, MedGen C5676888, MONDO:0800043, OMIM 601559.
Stuve-Wiedemann syndrome (STWS). Also called: Stüve-Wiedemann syndrome. Identifiers: Orphanet 3206, MedGen C0796176, MONDO:0031280.

Allele frequency attached by ClinVar (database versions not stated): gnomAD exomes below 0.00001; gnomAD 0.00005.
gnomAD v4.1: 8 of 1,613,636 alleles (0.0005%); highest among the groups gnomAD compares: African/African-American, 0.011%; 2 homozygotes.

Submissions (3):

Fulgent Genetics
Classification: Uncertain significance for Stüve-Wiedemann syndrome 1. Last evaluated: 2024-06-13. Review status: criteria provided, single submitter. Criteria: ACMG Guidelines, 2015. Collection method: clinical testing. Allele origin: germline.

Labcorp Genetics (formerly Invitae), Labcorp
Classification: Uncertain significance. Last evaluated: 2022-06-20. Review status: criteria provided, single submitter. Criteria: Invitae Variant Classification Sherloc (09022015). Collection method: clinical testing. Allele origin: germline.
Comment: This sequence change replaces leucine, which is neutral and non-polar, with valine, which is neutral and non-polar, at codon 569 of the LIFR protein (p.Leu569Val). This variant is present in population databases (rs544925449, gnomAD 0.004%). This variant has not been reported in the literature in individuals affected with LIFR-related conditions. ClinVar contains an entry for this variant (Variation ID: 1046924). Algorithms developed to predict the effect of missense changes on protein structure and function (SIFT, PolyPhen-2, Align-GVGD) all suggest that this variant is likely to be tolerated. Algorithms developed to predict the effect of sequence changes on RNA splicing suggest that this variant may disrupt the consensus splice site. In summary, the available evidence is currently insufficient to determine the role of this variant in disease. Therefore, it has been classified as a Variant of Uncertain Significance.

Natera, Inc.
Classification: Uncertain significance for Stuve-Wiedemann syndrome. Last evaluated: 2021-04-18. Review status: no assertion criteria provided. Collection method: clinical testing. Allele origin: germline. Not counted in ClinVar's aggregate classification.

NM_001127671.2(LIFR):c.1705C>G (p.Leu569Val)

Gene: LIFR (LIF receptor subunit alpha; minus strand). Cytogenetic location: 5p13.1.
Variant type: single nucleotide variant.
Coding change: c.1705C>G on transcript NM_001127671.2 (MANE Select); coding-DNA position 1705, C replaced by G.
Protein change: p.Leu569Val; replaces leucine 569 with valine.
Molecular consequence: missense variant.
Genome position (GRCh38, 1-based): chr5:38,496,562, G>C on the plus strand (C>G on the coding strand, the complement: LIFR is on the minus strand). VCF-style: chr5-38496562-G-C. GRCh37 (hg19) VCF-style: chr5-38496664-G-C.
Other names: c.1705C>G, p.Leu569Val (NM_001364297.2, NM_001364298.2, NM_002310.6); short protein forms L569V.
Identifiers: ClinVar variation 1046924 (VCV001046924.8), dbSNP rs544925449, ClinGen allele CA117151336.